The following is an entry in ClinVar:

ClinVar aggregate classification (germline): Likely benign. Review status: criteria provided, single submitter (1 of 4 stars). 2 submissions from 2 submitters: Likely benign (1). 1 of the submissions does not count toward it. Last evaluated 2025-07-29.

Conditions:
SH2B1-related disorder. Also called: SH2B1-related condition.

Allele frequency attached by ClinVar (database versions not stated): gnomAD exomes 0.00013.

Submissions (2):

Labcorp Genetics (formerly Invitae), Labcorp
Classification: Likely benign. Last evaluated: 2025-07-29. Review status: criteria provided, single submitter. Criteria: Invitae Variant Classification Sherloc (09022015). Collection method: clinical testing. Allele origin: germline.

PreventionGenetics, part of Exact Sciences
Classification: Likely benign for SH2B1-related condition. Last evaluated: 2021-06-03. Review status: no assertion criteria provided. Collection method: clinical testing. Allele origin: germline. Not counted in ClinVar's aggregate classification.
Comment: This variant is classified as likely benign based on ACMG/AMP sequence variant interpretation guidelines (Richards et al. 2015 PMID: 25741868, with internal and published modifications).

NM_001387430.1(SH2B1):c.66G>A (p.Pro22=)

Gene: SH2B1 (SH2B adaptor protein 1; plus strand). Cytogenetic location: 16p11.2.
Variant type: single nucleotide variant.
Coding change: c.66G>A on transcript NM_001387430.1 (MANE Select); coding-DNA position 66, G replaced by A.
Protein change: p.Pro22=; no amino-acid change (proline 22 retained).
Molecular consequence: synonymous variant. On other transcripts: intron variant (1).
Genome position (GRCh38, 1-based): chr16:28,866,160, G>A. VCF-style: chr16-28866160-G-A. GRCh37 (hg19) VCF-style: chr16-28877481-G-A.
Other names: c.66G>A, p.Pro22= (NM_001145795.2, NM_001145796.2, NM_001145797.2 and 4 more transcripts); c.-26-1214G>A (NM_001308294.2); c.66G>A (NM_001145795.1).
Identifiers: ClinVar variation 2721116 (VCV002721116.5), dbSNP rs945365382, ClinGen allele CA279250283.